The following is an entry in ClinVar:

NM_001256627.2(BRSK2):c.978-7G>A

Gene: BRSK2 (BR serine/threonine kinase 2; plus strand). Cytogenetic location: 11p15.5.
Variant type: single nucleotide variant.
Coding change: c.978-7G>A on transcript NM_001256627.2 (MANE Select); 7 bases into the intron before coding-DNA position 978, G replaced by A.
Molecular consequence: intron variant.
Genome position (GRCh38, 1-based): chr11:1,445,564, G>A. VCF-style: chr11-1445564-G-A. GRCh37 (hg19) VCF-style: chr11-1466794-G-A.
Other names: c.978-7G>A (NM_001256629.2, NM_003957.4); c.798-7G>A (NM_001282218.2); c.1116-7G>A (NM_001256630.1).
Identifiers: ClinVar variation 3058213 (VCV003058213.2), dbSNP rs376946888, ClinGen allele CA5810778.

ClinVar aggregate classification (germline): Likely benign (0 of 4 stars; one submission).

Conditions:
BRSK2-related disorder. Also called: BRSK2-related condition; BRSK2-Related Disorders.

Allele frequency attached by ClinVar (database versions not stated): TOPMed 0.00002; gnomAD 0.00005; gnomAD exomes 0.00008; ESP Exome Variant Server 0.00009; 1000 Genomes Project 30x 0.00047; ExAC 0.00052; 1000 Genomes Project 0.00060.
gnomAD v4.1: 126 of 1,582,036 alleles (0.008%); highest among the groups gnomAD compares: South Asian, 0.11%; no homozygotes.

Submission:

PreventionGenetics, part of Exact Sciences
Classification: Likely benign for BRSK2-related condition. Last evaluated: 2019-04-11. Review status: no assertion criteria provided. Collection method: clinical testing. Allele origin: germline.
Comment: This variant is classified as likely benign based on ACMG/AMP sequence variant interpretation guidelines (Richards et al. 2015 PMID: 25741868, with internal and published modifications).